The following is an entry in ClinVar:

NM_006502.3(POLH):c.1434G>A (p.Thr478=)

Gene: POLH (DNA polymerase eta; plus strand). Cytogenetic location: 6p21.1.
Variant type: single nucleotide variant.
Coding change: c.1434G>A on transcript NM_006502.3 (MANE Select); coding-DNA position 1434, G replaced by A.
Protein change: p.Thr478=; no amino-acid change (threonine 478 retained).
Molecular consequence: synonymous variant. On other transcripts: 3 prime UTR variant (1).
Genome position (GRCh38, 1-based): chr6:43,613,849, G>A. VCF-style: chr6-43613849-G-A. GRCh37 (hg19) VCF-style: chr6-43581586-G-A.
Other names: c.1062G>A, p.Thr354= (NM_001291969.2); c.*118G>A (NM_001291970.2).
Identifiers: ClinVar variation 259987 (VCV000259987.17), dbSNP rs3734690, ClinGen allele CA3827252.

ClinVar aggregate classification (germline): Benign. Review status: criteria provided, multiple submitters, no conflicts (2 of 4 stars). 5 submissions from 5 submitters: Benign (5). Last evaluated 2026-02-04.

Conditions:
Xeroderma pigmentosum variant type. Also called: POLH-Related Xeroderma Pigmentosum; PHOTOSENSITIVITY WITH DEFECTIVE DNA SYNTHESIS; XERODERMA PIGMENTOSUM WITH NORMAL DNA REPAIR RATES. Identifiers: Orphanet 90342, MedGen C1848410, MONDO:0010214, OMIM 278750.

Allele frequency attached by ClinVar (database versions not stated): gnomAD exomes 0.03625 and 0.04359; ExAC 0.04626; gnomAD 0.05470 and 0.05476; ESP Exome Variant Server 0.05567; TOPMed 0.05588; 1000 Genomes Project 0.07009; 1000 Genomes Project 30x 0.07042.
gnomAD v4.1: 61,530 of 1,614,068 alleles (3.8%); highest among the groups gnomAD compares: African/African-American, 11%; 1,646 homozygotes.

Submissions (5):

Labcorp Genetics (formerly Invitae), Labcorp
Classification: Benign. Last evaluated: 2026-02-04. Review status: criteria provided, single submitter. Criteria: Invitae Variant Classification Sherloc (09022015). Collection method: clinical testing. Allele origin: germline.

KCCC/NGS Laboratory, Kuwait Cancer Control Center
Classification: Benign for Xeroderma pigmentosum variant type. Last evaluated: 2023-07-07. Review status: criteria provided, single submitter. Criteria: ACMG Guidelines, 2015. Collection method: clinical testing. Allele origin: germline. Affected: yes.

GeneDx
Classification: Benign. Last evaluated: 2018-07-09. Review status: criteria provided, single submitter. Criteria: GeneDx Variant Classification Process June 2021. Collection method: clinical testing. Allele origin: germline. Affected: yes.

Illumina Laboratory Services, Illumina
Classification: Benign for Xeroderma pigmentosum variant type. Last evaluated: 2018-01-13. Review status: criteria provided, single submitter. Criteria: ICSL Variant Classification Criteria 13 December 2019. Collection method: clinical testing. Allele origin: germline.
Comment: This variant was observed in the ICSL laboratory as part of a predisposition screen in an ostensibly healthy population. It had not been previously curated by ICSL or reported in the Human Gene Mutation Database (HGMD: prior to June 1st, 2018), and was therefore a candidate for classification through an automated scoring system. Utilizing variant allele frequency, disease prevalence and penetrance estimates, and inheritance mode, an automated score was calculated to assess if this variant is too frequent to cause the disease. Based on the score and internal cut-off values, a variant classified as benign is not then subjected to further curation. The score for this variant resulted in a classification of benign for this disease.

PreventionGenetics, part of Exact Sciences
Classification: Benign. Review status: criteria provided, single submitter. Criteria: ACMG Guidelines, 2015. Collection method: clinical testing. Allele origin: germline.